The following is an entry in ClinVar:

ClinVar aggregate classification (germline): Uncertain significance (1 of 4 stars; one submission).

Conditions:
Familial adenomatous polyposis 1 (FAP1). Also called: FAMILIAL ADENOMATOUS POLYPOSIS 1, ATTENUATED; POLYPOSIS, ADENOMATOUS INTESTINAL. Identifiers: MedGen C2713442, MONDO:0021056, OMIM 175100. Disease mechanism: loss of function.

Submission:

Labcorp Genetics (formerly Invitae), Labcorp
Classification: Uncertain significance for Familial adenomatous polyposis 1. Last evaluated: 2025-07-16. Review status: criteria provided, single submitter. Criteria: Invitae Variant Classification Sherloc (09022015). Collection method: clinical testing. Allele origin: germline.
Comment: This sequence change falls in intron 5 of the APC gene. It does not directly change the encoded amino acid sequence of the APC protein. This variant is not present in population databases (gnomAD no frequency). This variant has not been reported in the literature in individuals affected with APC-related conditions. Algorithms developed to predict the effect of sequence changes on RNA splicing suggest that this variant may disrupt the consensus splice site. In summary, the available evidence is currently insufficient to determine the role of this variant in disease. Therefore, it has been classified as a Variant of Uncertain Significance.

NM_000038.6(APC):c.532-13T>G

Gene: APC (APC regulator of Wnt signaling pathway; plus strand). Cytogenetic location: 5q22.2.
Variant type: single nucleotide variant.
Coding change: c.532-13T>G on transcript NM_000038.6 (MANE Select); 13 bases into the intron before coding-DNA position 532, T replaced by G.
Molecular consequence: intron variant.
Genome position (GRCh38, 1-based): chr5:112,780,777, T>G. VCF-style: chr5-112780777-T-G. GRCh37 (hg19) VCF-style: chr5-112116474-T-G.
Other names: c.-504-13T>G (NM_001407470.1, NM_001407472.1, NM_001354906.2 and 1 more transcripts); c.532-13T>G (NM_001407447.1, NM_001354895.2, NM_001407456.1 and 16 more transcripts); c.562-13T>G (NM_001407446.1, NM_001354897.2, NM_001354902.2 and 1 more transcripts); c.355-13T>G (NM_001407453.1, NM_001354900.2, NM_001354901.2 and 1 more transcripts); c.457-13T>G (NM_001407451.1, NM_001354898.2, NM_001354904.2).
Identifiers: ClinVar variation 4723349 (VCV004723349.1).